The following is an entry in ClinVar:

ClinVar aggregate classification (germline): Benign/Likely benign. Review status: criteria provided, multiple submitters, no conflicts (2 of 4 stars). 4 submissions from 4 submitters: Benign (1); Likely benign (2). 1 of the submissions does not count toward it. Last evaluated 2024-10-02.

Conditions:
CHRNA2-related disorder. Also called: CHRNA2-related condition.
Familial sleep-related hypermotor epilepsy. Also called: Autosomal Dominant Sleep-Related Hypermotor (Hyperkinetic) Epilepsy. Identifiers: Orphanet 98784, MedGen C3696898, MONDO:0000030.

Allele frequency attached by ClinVar (database versions not stated): TOPMed 0.00002; ESP Exome Variant Server 0.00008; 1000 Genomes Project 30x 0.00016; 1000 Genomes Project 0.00020; gnomAD 0.00082 and 0.00091.
gnomAD v4.1: 684 of 1,613,832 alleles (0.042%); highest among the groups gnomAD compares: East Asian, 0.0067%; 4 homozygotes.

Submissions (4):

Blueprint Genetics
Classification: Likely benign. Last evaluated: 2024-10-02. Review status: criteria provided, single submitter. Criteria: ACMG Guidelines, 2015. Collection method: clinical testing. Allele origin: germline.

Labcorp Genetics (formerly Invitae), Labcorp
Classification: Benign. Last evaluated: 2024-06-04. Review status: criteria provided, single submitter. Criteria: Invitae Variant Classification Sherloc (09022015). Collection method: clinical testing. Allele origin: germline.

GeneDx
Classification: Likely benign. Last evaluated: 2017-07-06. Review status: criteria provided, single submitter. Criteria: GeneDx Variant Classification (06012015). Collection method: clinical testing. Allele origin: germline. Affected: yes.
Comment: This variant is considered likely benign or benign based on one or more of the following criteria: it is a conservative change, it occurs at a poorly conserved position in the protein, it is predicted to be benign by multiple in silico algorithms, and/or has population frequency not consistent with disease.

PreventionGenetics, part of Exact Sciences
Classification: Benign for CHRNA2-related condition. Last evaluated: 2019-04-01. Review status: no assertion criteria provided. Collection method: clinical testing. Allele origin: germline. Not counted in ClinVar's aggregate classification.
Comment: This variant is classified as benign based on ACMG/AMP sequence variant interpretation guidelines (Richards et al. 2015 PMID: 25741868, with internal and published modifications).

NM_000742.4(CHRNA2):c.1100G>A (p.Arg367Gln)

Gene: CHRNA2 (cholinergic receptor nicotinic alpha 2 subunit; minus strand). Cytogenetic location: 8p21.2.
Variant type: single nucleotide variant.
Coding change: c.1100G>A on transcript NM_000742.4 (MANE Select); coding-DNA position 1100, G replaced by A.
Protein change: p.Arg367Gln; replaces arginine 367 with glutamine.
Molecular consequence: missense variant.
Genome position (GRCh38, 1-based): chr8:27,463,343, C>T on the plus strand (G>A on the coding strand, the complement: CHRNA2 is on the minus strand). VCF-style: chr8-27463343-C-T. GRCh37 (hg19) VCF-style: chr8-27320860-C-T.
Other names: c.1055G>A, p.Arg352Gln (NM_001282455.2); c.623G>A, p.Arg208Gln (NM_001347705.2, NM_001347706.2); c.506G>A, p.Arg169Gln (NM_001347707.2, NM_001347708.2); short protein forms R367Q, R208Q, R169Q, R352Q.
Identifiers: ClinVar variation 390463 (VCV000390463.11), dbSNP rs149464248, ClinGen allele CA4689529.